The following is an entry in ClinVar:

ClinVar aggregate classification (germline): Uncertain significance (1 of 4 stars; one submission).

gnomAD v4.1: 5 of 1,613,914 alleles (0.00031%); highest among the groups gnomAD compares: Admixed American, 0.0033%; no homozygotes.

Submission:

Labcorp Genetics (formerly Invitae), Labcorp
Classification: Uncertain significance. Last evaluated: 2024-12-09. Review status: criteria provided, single submitter. Criteria: Invitae Variant Classification Sherloc (09022015). Collection method: clinical testing. Allele origin: germline.
Comment: This sequence change replaces leucine, which is neutral and non-polar, with valine, which is neutral and non-polar, at codon 529 of the GPI protein (p.Leu529Val). This variant is present in population databases (rs749718424, gnomAD 0.006%). This variant has not been reported in the literature in individuals affected with GPI-related conditions. Invitae Evidence Modeling of protein sequence and biophysical properties (such as structural, functional, and spatial information, amino acid conservation, physicochemical variation, residue mobility, and thermodynamic stability) has been performed for this missense variant. However, the output from this modeling did not meet the statistical confidence thresholds required to predict the impact of this variant on GPI protein function. In summary, the available evidence is currently insufficient to determine the role of this variant in disease. Therefore, it has been classified as a Variant of Uncertain Significance.

NM_000175.5(GPI):c.1585C>G (p.Leu529Val)

Gene: GPI (glucose-6-phosphate isomerase; plus strand). Cytogenetic location: 19q13.11.
Variant type: single nucleotide variant.
Coding change: c.1585C>G on transcript NM_000175.5 (MANE Select); coding-DNA position 1585, C replaced by G.
Protein change: p.Leu529Val; replaces leucine 529 with valine.
Molecular consequence: missense variant.
Genome position (GRCh38, 1-based): chr19:34,399,944, C>G. VCF-style: chr19-34399944-C-G. GRCh37 (hg19) VCF-style: chr19-34890849-C-G.
Other names: c.1618C>G, p.Leu540Val (NM_001184722.1); c.1702C>G, p.Leu568Val (NM_001289789.1); c.1501C>G, p.Leu501Val (NM_001289790.3); c.1585C>G, p.Leu529Val (NM_001329909.1, NM_001329910.1); c.1558C>G, p.Leu520Val (NM_001329911.2); short protein forms L540V, L529V, L568V, L501V, L520V.
Identifiers: ClinVar variation 3697450 (VCV003697450.2).